The following is an entry in ClinVar:

NM_130384.3(ATRIP):c.304A>G (p.Asn102Asp)

Genes: ATRIP (ATR interacting protein; plus strand), ATRIP-TREX1 (ATRIP-TREX1 readthrough; plus strand). Cytogenetic location: 3p21.31.
Variant type: single nucleotide variant.
Coding change: c.304A>G on transcript NM_130384.3 (MANE Select); coding-DNA position 304, A replaced by G.
Protein change: p.Asn102Asp; replaces asparagine 102 with aspartic acid.
Molecular consequence: missense variant. On other transcripts: non-coding transcript variant (1), 5 prime UTR variant (1).
Genome position (GRCh38, 1-based): chr3:48,450,093, A>G. VCF-style: chr3-48450093-A-G. GRCh37 (hg19) VCF-style: chr3-48491499-A-G.
Other names: c.-161A>G (NM_001271022.2); c.25A>G, p.Asn9Asp (NM_001271023.2); c.304A>G, p.Asn102Asp (NM_032166.4); short protein forms N9D, N102D.
Identifiers: ClinVar variation 3632490 (VCV003632490.2).

ClinVar aggregate classification (germline): Uncertain significance (1 of 4 stars; one submission).

gnomAD v4.1: 5 of 1,613,636 alleles (0.00031%); highest among the groups gnomAD compares: Middle Eastern, 0.083%; no homozygotes.

Submission:

Labcorp Genetics (formerly Invitae), Labcorp
Classification: Uncertain significance. Last evaluated: 2024-06-22. Review status: criteria provided, single submitter. Criteria: Invitae Variant Classification Sherloc (09022015). Collection method: clinical testing. Allele origin: germline.
Comment: This sequence change replaces asparagine, which is neutral and polar, with aspartic acid, which is acidic and polar, at codon 102 of the ATRIP protein (p.Asn102Asp). This variant is not present in population databases (gnomAD no frequency). This variant has not been reported in the literature in individuals affected with ATRIP-related conditions. Algorithms developed to predict the effect of missense changes on protein structure and function output the following: SIFT: "Not Available"; PolyPhen-2: "Benign"; Align-GVGD: "Not Available". The aspartic acid amino acid residue is found in multiple mammalian species, which suggests that this missense change does not adversely affect protein function. In summary, the available evidence is currently insufficient to determine the role of this variant in disease. Therefore, it has been classified as a Variant of Uncertain Significance.